The following is an entry in ClinVar:

NM_002519.3(NPAT):c.688C>G (p.Arg230Gly)

Gene: NPAT (nuclear protein, coactivator of histone transcription; minus strand). Cytogenetic location: 11q22.3.
Variant type: single nucleotide variant.
Coding change: c.688C>G on transcript NM_002519.3 (MANE Select); coding-DNA position 688, C replaced by G.
Protein change: p.Arg230Gly; replaces arginine 230 with glycine.
Molecular consequence: missense variant.
Genome position (GRCh38, 1-based): chr11:108,186,520, G>C on the plus strand (C>G on the coding strand, the complement: NPAT is on the minus strand). VCF-style: chr11-108186520-G-C. GRCh37 (hg19) VCF-style: chr11-108057247-G-C.
Other names: c.688C>G, p.Arg230Gly (NM_001321307.1); short protein forms R230G.
Identifiers: ClinVar variation 1755982 (VCV001755982.2), dbSNP rs750853544, ClinGen allele CA382522320.

ClinVar aggregate classification (germline): Uncertain significance (1 of 4 stars; one submission).

Submission:

Ambry Genetics
Classification: Uncertain significance. Last evaluated: 2021-09-04. Review status: criteria provided, single submitter. Criteria: Ambry Variant Classification Scheme 2023. Collection method: clinical testing. Allele origin: germline.
Comment: The p.R230G variant (also known as c.688C>G), located in coding exon 8 of the NPAT gene, results from a C to G substitution at nucleotide position 688. The arginine at codon 230 is replaced by glycine, an amino acid with dissimilar properties. This amino acid position is conserved. In addition, this alteration is predicted to be tolerated by in silico analysis. Since supporting evidence is limited at this time, the clinical significance of this alteration remains unclear.